The following is an entry in ClinVar:

NM_001458.5(FLNC):c.6517C>G (p.Arg2173Gly)

Genes: FLNC (filamin C; plus strand), FLNC-AS1 (FLNC antisense RNA 1; minus strand). Cytogenetic location: 7q32.1.
Variant type: single nucleotide variant.
Coding change: c.6517C>G on transcript NM_001458.5 (MANE Select); coding-DNA position 6517, C replaced by G.
Protein change: p.Arg2173Gly; replaces arginine 2173 with glycine.
Molecular consequence: missense variant.
Genome position (GRCh38, 1-based): chr7:128,854,006, C>G. VCF-style: chr7-128854006-C-G. GRCh37 (hg19) VCF-style: chr7-128494060-C-G.
Other names: c.6418C>G, p.Arg2140Gly (NM_001127487.2); short protein forms R2140G, R2173G.
Identifiers: ClinVar variation 1719640 (VCV001719640.11), dbSNP rs767250474, ClinGen allele CA369212736.

ClinVar aggregate classification (germline): Uncertain significance. Review status: criteria provided, multiple submitters, no conflicts (2 of 4 stars). 4 submissions from 4 submitters: Uncertain significance (4). Last evaluated 2025-04-09.

Conditions:
Myofibrillar myopathy 5. Also called: Filaminopathy (type); FILAMINOPATHY, AUTOSOMAL DOMINANT. Identifiers: Orphanet 171445, MedGen C1836050, MONDO:0012289, OMIM 609524.
Distal myopathy with posterior leg and anterior hand involvement. Also called: WILLIAMS DISTAL MYOPATHY. Identifiers: Orphanet 63273, MedGen C3279722, MONDO:0013550, OMIM 614065.
Hypertrophic cardiomyopathy 26. Also called: Cardiomyopathy, familial hypertrophic, 26. Identifiers: Orphanet 75249, MedGen C4310749, MONDO:0014883, OMIM 617047.
Cardiovascular phenotype. Identifiers: MedGen CN230736.

Submissions (4):

Molecular Diagnostic Laboratory for Inherited Cardiovascular Disease, Montreal Heart Institute
Classification: Uncertain significance for Cardiovascular phenotype. Last evaluated: 2025-04-09. Review status: criteria provided, single submitter. Criteria: ACMG Guidelines, 2015. Collection method: clinical testing. Allele origin: germline. Affected: yes.
Comment: PM2

Ambry Genetics
Classification: Uncertain significance for Cardiovascular phenotype. Last evaluated: 2024-10-02. Review status: criteria provided, single submitter. Criteria: Ambry Variant Classification Scheme 2023. Collection method: clinical testing. Allele origin: germline.
Comment: The p.R2173G variant (also known as c.6517C>G), located in coding exon 40 of the FLNC gene, results from a C to G substitution at nucleotide position 6517. The arginine at codon 2173 is replaced by glycine, an amino acid with dissimilar properties. This variant segregated with disease in at least one family with features consistent with FLNC-related dilated cardiomyopathy (Ambry internal data). This amino acid position is highly conserved in available vertebrate species. In addition, the in silico prediction for this alteration is inconclusive. Since supporting evidence is limited at this time, the clinical significance of this alteration remains unclear.

GeneDx
Classification: Uncertain significance. Last evaluated: 2024-05-30. Review status: criteria provided, single submitter. Criteria: GeneDx Variant Classification Process June 2021. Collection method: clinical testing. Allele origin: germline. Affected: yes.
Comment: Has not been previously published as pathogenic or benign to our knowledge; Not observed at significant frequency in large population cohorts (gnomAD); In silico analysis indicates that this missense variant does not alter protein structure/function

Labcorp Genetics (formerly Invitae), Labcorp
Classification: Uncertain significance for Distal myopathy with posterior leg and anterior hand involvement; Myofibrillar myopathy 5; Hypertrophic cardiomyopathy 26. Last evaluated: 2022-09-17. Review status: criteria provided, single submitter. Criteria: Invitae Variant Classification Sherloc (09022015). Collection method: clinical testing. Allele origin: germline.
Comment: In summary, the available evidence is currently insufficient to determine the role of this variant in disease. Therefore, it has been classified as a Variant of Uncertain Significance. Algorithms developed to predict the effect of missense changes on protein structure and function are either unavailable or do not agree on the potential impact of this missense change (SIFT: "Deleterious"; PolyPhen-2: "Benign"; Align-GVGD: "Class C0"). This variant is not present in population databases (gnomAD no frequency). This sequence change replaces arginine, which is basic and polar, with glycine, which is neutral and non-polar, at codon 2173 of the FLNC protein (p.Arg2173Gly). This variant has not been reported in the literature in individuals affected with FLNC-related conditions.